The following is an entry in ClinVar:

ClinVar aggregate classification (germline): Uncertain significance (1 of 4 stars; one submission).

Conditions:
Acrocallosal syndrome (ACLS). Also called: HALLUX DUPLICATION, POSTAXIAL POLYDACTYLY, AND ABSENCE OF CORPUS CALLOSUM; Schinzel syndrome 1; Absence of corpus callosum with unusual facial appearance, mental deficiency, duplication of the halluces and polydactyly. Identifiers: Orphanet 36, MedGen C0796147, MONDO:0008708, OMIM 200990.

gnomAD v4.1: 1 of 1,512,780 alleles (0.000066%); highest among the groups gnomAD compares: Admixed American, 0.002%; no homozygotes.

Submission:

Labcorp Genetics (formerly Invitae), Labcorp
Classification: Uncertain significance for Acrocallosal syndrome. Last evaluated: 2023-10-03. Review status: criteria provided, single submitter. Criteria: Invitae Variant Classification Sherloc (09022015). Collection method: clinical testing. Allele origin: germline.
Comment: This sequence change replaces serine, which is neutral and polar, with glycine, which is neutral and non-polar, at codon 462 of the KIF7 protein (p.Ser462Gly). This variant is not present in population databases (gnomAD no frequency). This variant has not been reported in the literature in individuals affected with KIF7-related conditions. ClinVar contains an entry for this variant (Variation ID: 1397297). Advanced modeling of protein sequence and biophysical properties (such as structural, functional, and spatial information, amino acid conservation, physicochemical variation, residue mobility, and thermodynamic stability) performed at Invitae indicates that this missense variant is not expected to disrupt KIF7 protein function. In summary, the available evidence is currently insufficient to determine the role of this variant in disease. Therefore, it has been classified as a Variant of Uncertain Significance.

NM_198525.3(KIF7):c.1384A>G (p.Ser462Gly)

Gene: KIF7 (kinesin family member 7; minus strand). Cytogenetic location: 15q26.1.
Variant type: single nucleotide variant.
Coding change: c.1384A>G on transcript NM_198525.3 (MANE Select); coding-DNA position 1384, A replaced by G.
Protein change: p.Ser462Gly; replaces serine 462 with glycine.
Molecular consequence: missense variant.
Genome position (GRCh38, 1-based): chr15:89,648,314, T>C on the plus strand (A>G on the coding strand, the complement: KIF7 is on the minus strand). VCF-style: chr15-89648314-T-C. GRCh37 (hg19) VCF-style: chr15-90191545-T-C.
Other names: short protein forms S462G.
Identifiers: ClinVar variation 1397297 (VCV001397297.6), dbSNP rs1455184212, ClinGen allele CA393770836.